The following is an entry in ClinVar:

ClinVar aggregate classification (germline): Uncertain significance (1 of 4 stars; one submission).

Conditions:
MELAS syndrome (MELAS). Also called: Juvenile myopathy, encephalopathy, lactic acidosis, stroke. Identifiers: Orphanet 550, MedGen C0162671, MONDO:0010789, OMIM 540000.

Submission:

Wong Mito Lab, Molecular and Human Genetics, Baylor College of Medicine
Classification: Uncertain significance for MELAS syndrome. Last evaluated: 2019-07-12. Review status: criteria provided, single submitter. Criteria: Modified ACMG Guidelines (Unpublished). Collection method: clinical testing. Allele origin: germline.
Comment: The NC_012920.1:m.7518A>G variant in MT-TD gene is interpreted to be a Unknown Significance variant based on the modified ACMG guidelines (unpublished). This variant meets the following evidence codes reported in the guidelines: PP3, BP6

Literature cited by the submitters: PubMed 31965079.

NC_012920.1(MT-TD):m.7518A>G

Gene: MT-TD (mitochondrially encoded tRNA aspartic acid; plus strand).
Variant type: single nucleotide variant.
Genome position: chrM-7518-A-G.
Identifiers: ClinVar variation 690035 (VCV000690035.1), dbSNP rs1603220992, ClinGen allele CA913177281.